The following is an entry in ClinVar:

NM_015311.3(OBSL1):c.2953+495C>T

Gene: OBSL1 (obscurin like cytoskeletal adaptor 1; minus strand). Cytogenetic location: 2q35.
Variant type: single nucleotide variant.
Coding change: c.2953+495C>T on transcript NM_015311.3 (MANE Select); 495 bases into the intron after coding-DNA position 2953, C replaced by T.
Molecular consequence: intron variant. On other transcripts: nonsense (1).
Genome position (GRCh38, 1-based): chr2:219,561,907, G>A on the plus strand (C>T on the coding strand, the complement: OBSL1 is on the minus strand). VCF-style: chr2-219561907-G-A. GRCh37 (hg19) VCF-style: chr2-220426629-G-A.
Other names: c.3055C>T, p.Arg1019Ter (NM_001173408.2); c.2953+495C>T (NM_001173431.2); short protein forms R1019*.
Identifiers: ClinVar variation 2506022 (VCV002506022.1), dbSNP rs773248293, ClinGen allele CA2131021.

ClinVar aggregate classification (germline): Uncertain significance (1 of 4 stars; one submission).

Allele frequency attached by ClinVar (database versions not stated): gnomAD 0.00003; TOPMed 0.00003; gnomAD exomes 0.00005; ExAC 0.00007.
gnomAD v4.1: 31 of 717,340 alleles (0.0043%); highest among the groups gnomAD compares: South Asian, 0.013%; no homozygotes.

Submission:

Women's Health and Genetics/Laboratory Corporation of America, LabCorp
Classification: Uncertain significance. Last evaluated: 2023-05-05. Review status: criteria provided, single submitter. Criteria: LabCorp Variant Classification Summary - May 2015. Collection method: clinical testing. Allele origin: germline.
Comment: Variant summary: OBSL1 c.2953+495C>T is located at a position not widely known to affect splicing. The variant allele was found at a frequency of 6.7e-05 in 148990 control chromosomes. This frequency is not significantly higher than estimated for a pathogenic variant in OBSL1 causing Three M Syndrome 2 (6.7e-05 vs 0.0011), allowing no conclusion about variant significance. This variant can also be annotated as c.3055C>T (p.Arg1019*) in an alternative transcript (NM_001173408), which is unlikely to be clinically relevant. p.Arg1019* is located in the last exon and predicted to escape NMD. To our knowledge, no occurrence of c.2953+495C>T or the alternative transcript c.3055C>T; p.Arg1019* in individuals affected with Three M Syndrome 2 and no experimental evidence demonstrating its impact on protein function have been reported. No clinical diagnostic laboratories have submitted clinical-significance assessments for this variant to ClinVar after 2014. Based on the evidence outlined above, the variant was classified as uncertain significance.